The following is an entry in ClinVar:

ClinVar aggregate classification (germline): Conflicting classifications of pathogenicity. Review status: criteria provided, conflicting classifications (1 of 4 stars). 4 submissions from 4 submitters: Uncertain significance (1); Likely benign (2). 1 of the submissions does not count toward it. Last evaluated 2025-10-23.

Conditions:
SNRNP200-related disorder. Also called: SNRNP200-related condition.
Retinitis pigmentosa (RP). Identifiers: Orphanet 791, MedGen C0035334, MeSH D012174, MONDO:0019200, OMIM 268000. Inheritance: Autosomal dominant, autosomal recessive and X linked inheritance.

Allele frequency attached by ClinVar (database versions not stated): gnomAD 0.00008; TOPMed 0.00010; 1000 Genomes Project 30x 0.00016; 1000 Genomes Project 0.00020.
gnomAD v4.1: 243 of 1,614,126 alleles (0.015%); highest among the groups gnomAD compares: Non-Finnish European, 0.02%; no homozygotes.

Submissions (4):

Labcorp Genetics (formerly Invitae), Labcorp
Classification: Likely benign. Last evaluated: 2025-10-23. Review status: criteria provided, single submitter. Criteria: Invitae Variant Classification Sherloc (09022015). Collection method: clinical testing. Allele origin: germline.

Blueprint Genetics
Classification: Likely benign. Last evaluated: 2024-05-24. Review status: criteria provided, single submitter. Criteria: ACMG Guidelines, 2015. Collection method: clinical testing. Allele origin: germline.

Illumina Laboratory Services, Illumina
Classification: Uncertain significance for Retinitis pigmentosa. Last evaluated: 2018-01-13. Review status: criteria provided, single submitter. Criteria: ICSL Variant Classification Criteria 13 December 2019. Collection method: clinical testing. Allele origin: germline.

PreventionGenetics, part of Exact Sciences
Classification: Likely benign for SNRNP200-related condition. Last evaluated: 2019-06-18. Review status: no assertion criteria provided. Collection method: clinical testing. Allele origin: germline. Not counted in ClinVar's aggregate classification.
Comment: This variant is classified as likely benign based on ACMG/AMP sequence variant interpretation guidelines (Richards et al. 2015 PMID: 25741868, with internal and published modifications).

NM_014014.5(SNRNP200):c.6093-6C>T

Gene: SNRNP200 (small nuclear ribonucleoprotein U5 subunit 200; minus strand). Cytogenetic location: 2q11.2.
Variant type: single nucleotide variant.
Coding change: c.6093-6C>T on transcript NM_014014.5 (MANE Select); 6 bases into the intron before coding-DNA position 6093, C replaced by T.
Molecular consequence: intron variant.
Genome position (GRCh38, 1-based): chr2:96,276,991, G>A on the plus strand (C>T on the coding strand, the complement: SNRNP200 is on the minus strand). VCF-style: chr2-96276991-G-A. GRCh37 (hg19) VCF-style: chr2-96942729-G-A.
Identifiers: ClinVar variation 898980 (VCV000898980.17), dbSNP rs202243080, ClinGen allele CA1777812.